The following is an entry in ClinVar:

ClinVar aggregate classification (germline): Uncertain significance (1 of 4 stars; one submission).

gnomAD v4.1: 63 of 1,613,336 alleles (0.0039%); highest among the groups gnomAD compares: Middle Eastern, 0.049%; 2 homozygotes.

Submission:

Labcorp Genetics (formerly Invitae), Labcorp
Classification: Uncertain significance. Last evaluated: 2025-12-18. Review status: criteria provided, single submitter. Criteria: Invitae Variant Classification Sherloc (09022015). Collection method: clinical testing. Allele origin: germline.
Comment: This sequence change replaces valine, which is neutral and non-polar, with methionine, which is neutral and non-polar, at codon 523 of the KCNQ4 protein (p.Val523Met). This variant is present in population databases (rs777964870, gnomAD 0.03%). This variant has not been reported in the literature in individuals affected with KCNQ4-related conditions. Invitae Evidence Modeling of protein sequence and biophysical properties (such as structural, functional, and spatial information, amino acid conservation, physicochemical variation, residue mobility, and thermodynamic stability) indicates that this missense variant is not expected to disrupt KCNQ4 protein function with a negative predictive value of 95%. In summary, the available evidence is currently insufficient to determine the role of this variant in disease. Therefore, it has been classified as a Variant of Uncertain Significance.

NM_004700.4(KCNQ4):c.1567G>A (p.Val523Met)

Gene: KCNQ4 (potassium voltage-gated channel subfamily Q member 4; plus strand). Cytogenetic location: 1p34.2.
Variant type: single nucleotide variant.
Coding change: c.1567G>A on transcript NM_004700.4 (MANE Select); coding-DNA position 1567, G replaced by A.
Protein change: p.Val523Met; replaces valine 523 with methionine.
Molecular consequence: missense variant.
Genome position (GRCh38, 1-based): chr1:40,833,067, G>A. VCF-style: chr1-40833067-G-A. GRCh37 (hg19) VCF-style: chr1-41298739-G-A.
Other names: c.1405G>A, p.Val469Met (NM_172163.3); short protein forms V469M, V523M.
Identifiers: ClinVar variation 4751993 (VCV004751993.1).